The following is an entry in ClinVar:

NM_001035.3(RYR2):c.7075C>T (p.Arg2359Ter)

Gene: RYR2 (ryanodine receptor 2; plus strand). Cytogenetic location: 1q43.
Variant type: single nucleotide variant.
Coding change: c.7075C>T on transcript NM_001035.3 (MANE Select); coding-DNA position 7075, C replaced by T.
Protein change: p.Arg2359Ter; replaces arginine 2359 with a stop codon.
Molecular consequence: nonsense.
Genome position (GRCh38, 1-based): chr1:237,639,161, C>T. VCF-style: chr1-237639161-C-T. GRCh37 (hg19) VCF-style: chr1-237802461-C-T.
Other names: short protein forms R2359*.
Identifiers: ClinVar variation 3436611 (VCV003436611.2).

ClinVar aggregate classification (germline): Uncertain significance. Review status: criteria provided, multiple submitters, no conflicts (2 of 4 stars). 2 submissions from 2 submitters: Uncertain significance (2). Last evaluated 2025-06-26.

Conditions:
Cardiovascular phenotype. Identifiers: MedGen CN230736.
Cardiomyopathy (CMYO). Also called: Cardiomyopathies. Identifiers: Orphanet 167848, MedGen C0878544, MONDO:0004994, HP:0001638. Inheritance: Various modes of inheritance.

gnomAD v4.1: 3 of 1,613,714 alleles (0.00019%); highest among the groups gnomAD compares: South Asian, 0.0011%; no homozygotes.

Submissions (2):

Color Diagnostics, LLC DBA Color Health
Classification: Uncertain significance for Cardiomyopathy. Last evaluated: 2025-06-26. Review status: criteria provided, single submitter. Criteria: ACMG Guidelines, 2015. Collection method: clinical testing. Allele origin: germline.
Comment: This variant changes 1 nucleotide in exon 46 of the RYR2 gene, creating a premature translation stop signal. This variant is expected to result in an absent or non-functional protein product. To our knowledge, this variant has not been reported in individuals affected with RYR2-related disorders in the literature. This variant has been identified in 1/248754 chromosomes in the general population by the Genome Aggregation Database (gnomAD). Clinical relevance of loss-of-function RYR2 truncation variants in autosomal dominant cardiovascular disorders is not clearly established. The available evidence is insufficient to determine the role of this variant in disease conclusively. Therefore, this variant is classified as a Variant of Uncertain Significance.

Ambry Genetics
Classification: Uncertain significance for Cardiovascular phenotype. Last evaluated: 2024-11-14. Review status: criteria provided, single submitter. Criteria: Ambry Variant Classification Scheme 2023. Collection method: clinical testing. Allele origin: germline.
Comment: The p.R2359* variant (also known as c.7075C>T), located in coding exon 46 of the RYR2 gene, results from a C to T substitution at nucleotide position 7075. This changes the amino acid from an arginine to a stop codon within coding exon 46. This alteration is expected to result in protein truncation or nonsense-mediated mRNA decay. However, loss of function of RYR2 has not been established as a mechanism of disease. Based on the available evidence, the clinical significance of this alteration remains unclear.